The following is an entry in ClinVar:

ClinVar aggregate classification (germline): Uncertain significance (1 of 4 stars; one submission).

Submission:

Labcorp Genetics (formerly Invitae), Labcorp
Classification: Uncertain significance. Last evaluated: 2022-02-06. Review status: criteria provided, single submitter. Criteria: Invitae Variant Classification Sherloc (09022015). Collection method: clinical testing. Allele origin: germline.
Comment: In summary, the available evidence is currently insufficient to determine the role of this variant in disease. Therefore, it has been classified as a Variant of Uncertain Significance. Algorithms developed to predict the effect of missense changes on protein structure and function are either unavailable or do not agree on the potential impact of this missense change (SIFT: "Deleterious"; PolyPhen-2: "Probably Damaging"; Align-GVGD: "Class C0"). This variant has not been reported in the literature in individuals affected with OCA2-related conditions. This variant is not present in population databases (gnomAD no frequency). This sequence change replaces valine, which is neutral and non-polar, with alanine, which is neutral and non-polar, at codon 571 of the OCA2 protein (p.Val571Ala).

NM_000275.3(OCA2):c.1712T>C (p.Val571Ala)

Gene: OCA2 (OCA2 melanosomal transmembrane protein; minus strand). Cytogenetic location: 15q13.1.
Variant type: single nucleotide variant.
Coding change: c.1712T>C on transcript NM_000275.3 (MANE Select); coding-DNA position 1712, T replaced by C.
Protein change: p.Val571Ala; replaces valine 571 with alanine.
Molecular consequence: missense variant.
Genome position (GRCh38, 1-based): chr15:27,957,660, A>G on the plus strand (T>C on the coding strand, the complement: OCA2 is on the minus strand). VCF-style: chr15-27957660-A-G. GRCh37 (hg19) VCF-style: chr15-28202806-A-G.
Other names: c.1640T>C, p.Val547Ala (NM_001300984.2); short protein forms V547A, V571A.
Identifiers: ClinVar variation 2061773 (VCV002061773.4), dbSNP rs2506581258, ClinGen allele CA391365787.
Genomic context (GRCh38, chr15:27,957,660, plus strand): 5'-TGCAGCCTCCGGGCGAGCAGGTGCTCCAGTGCCAGCACCTTCCCCAGCAGCAGGCGGCGC[A>G]CAGCTGTCTCCTCGCGGCTGGCCGGGCTGATGCGCTGAGCAGTCAGGCGCCAGACGTGAA-3'
Protein context (NP_000266.2, residues 561-581): ISPASREETA[Val571Ala]RRLLLGKVLA